The following is an entry in ClinVar:

ClinVar aggregate classification (germline): Uncertain significance (1 of 4 stars; one submission).

Submissions (2):

GeneDx
Classification: Uncertain significance. Last evaluated: 2019-09-04. Review status: criteria provided, single submitter. Criteria: GeneDx Variant Classification Process June 2021. Collection method: clinical testing. Allele origin: germline. Affected: yes.
Comment: Not observed in large population cohorts (Lek et al., 2016); In silico analysis, which includes protein predictors and evolutionary conservation, supports a deleterious effect; This variant is associated with the following publications: (PMID: 8281159, 20340138, 15035989, 9143917, 22786811, 17955262)

Dr. Peter K. Rogan Lab, Western University
No classification provided (evidence only). Condition: Nonpapillary renal cell carcinoma. Review status: no classification provided. Collection method: in vitro. Allele origin: not applicable. Functional consequence: retained intron. Not counted in ClinVar's aggregate classification.

NM_000266.4(NDP):c.174G>T (p.Lys58Asn)

Genes: NDP (norrin cystine knot growth factor NDP; minus strand), NDP-AS1 (NDP antisense RNA 1; plus strand). Cytogenetic location: Xp11.3.
Variant type: single nucleotide variant.
Coding change: c.174G>T on transcript NM_000266.4 (MANE Select); coding-DNA position 174, G replaced by T.
Protein change: p.Lys58Asn; replaces lysine 58 with asparagine.
Molecular consequence: missense variant.
Genome position (GRCh38, 1-based): chrX:43,958,472, C>A on the plus strand (G>T on the coding strand, the complement: NDP is on the minus strand). VCF-style: chrX-43958472-C-A. GRCh37 (hg19) VCF-style: chrX-43817718-C-A.
Other names: NC_000023.10:g.43817718C>A; short protein forms K58N.
Identifiers: ClinVar variation 1303053 (VCV001303053.3), dbSNP rs2147209153, ClinGen allele CA413008938.